The following is an entry in ClinVar:

NM_015338.6(ASXL1):c.2895AGG[1] (p.Gly967del)

Gene: ASXL1 (ASXL transcriptional regulator 1; plus strand). Cytogenetic location: 20q11.21.
Variant type: Microsatellite.
Coding change: c.2895AGG[1] on transcript NM_015338.6 (MANE Select); one copy of the 3-base unit AGG starting at c.2895; the reference has two copies in a row; one copy, 3 bases deleted; also written c.2898_2900del.
Protein change: p.Gly967del; deletes glycine 967.
Molecular consequence: inframe deletion.
Genome position (GRCh38, 1-based): chr20:32,435,610-32,435,612, AGG deleted; deleting any 3 consecutive bases within chr20:32,435,606-32,435,612 gives the same sequence; the position shown is the placement nearest the transcript's 3' end. VCF-style (leftmost placement, unchanged base first): chr20-32435605-CGAG-C. GRCh37 (hg19) VCF-style: chr20-31023408-CGAG-C.
Other names: c.2898_2900delAGG (NM_015338.5); c.2898_2900del (NM_015338.6); c.2712AGG[1], p.Gly906del (NM_001363734.1); short protein forms G906del, G967del.
Identifiers: ClinVar variation 711006 (VCV000711006.23), dbSNP rs762939072, ClinGen allele CA9808716.

ClinVar aggregate classification (germline): Conflicting classifications of pathogenicity. Review status: criteria provided, conflicting classifications (1 of 4 stars). 7 submissions from 7 submitters: Uncertain significance (1); Benign (3); Likely benign (2). 1 of the submissions does not count toward it. Last evaluated 2026-10-01.

Conditions:
ASXL1-related disorder. Also called: ASXL1-related condition; ASXL1-related disorders.
Bohring-Opitz syndrome. Also called: OPITZ TRIGONOCEPHALY-LIKE SYNDROME; BOHRING SYNDROME; ASXL1-Related Bohring-Opitz Syndrome; C-LIKE SYNDROME. Identifiers: Orphanet 97297, MedGen C0796232, MONDO:0011510, OMIM 605039.

Submissions (7):

CeGaT Center for Human Genetics Tuebingen
Classification: Likely benign. Last evaluated: 2026-10-01. Review status: criteria provided, single submitter. Criteria: CeGaT Center For Human Genetics Tuebingen Variant Classification Criteria Version 2. Collection method: clinical testing. Allele origin: germline. Affected: yes. Observed: 2 variant alleles.
Comment: ASXL1: PM4:Supporting, BS1

Labcorp Genetics (formerly Invitae), Labcorp
Classification: Benign. Last evaluated: 2026-02-03. Review status: criteria provided, single submitter. Criteria: Invitae Variant Classification Sherloc (09022015). Collection method: clinical testing. Allele origin: germline.

Blueprint Genetics
Classification: Likely benign. Last evaluated: 2023-09-20. Review status: criteria provided, single submitter. Criteria: ACMG Guidelines, 2015. Collection method: clinical testing. Allele origin: germline.

Genome-Nilou Lab
Classification: Benign for Bohring-Opitz syndrome. Last evaluated: 2021-12-05. Review status: criteria provided, single submitter. Criteria: ACMG Guidelines, 2015. Collection method: clinical testing. Allele origin: germline. Affected: no.

GeneDx
Classification: Benign. Last evaluated: 2020-02-03. Review status: criteria provided, single submitter. Criteria: GeneDx Variant Classification Process June 2021. Collection method: clinical testing. Allele origin: germline. Affected: yes.

Revvity Omics, Revvity
Classification: Uncertain significance for Bohring-Opitz syndrome. Last evaluated: 2019-11-02. Review status: criteria provided, single submitter. Criteria: ACMG Guidelines, 2015. Collection method: clinical testing. Allele origin: germline.

PreventionGenetics, part of Exact Sciences
Classification: Likely benign for ASXL1-related condition. Last evaluated: 2019-02-18. Review status: no assertion criteria provided. Collection method: clinical testing. Allele origin: germline. Not counted in ClinVar's aggregate classification.
Comment: This variant is classified as likely benign based on ACMG/AMP sequence variant interpretation guidelines (Richards et al. 2015 PMID: 25741868, with internal and published modifications).